The following is an entry in ClinVar:

ClinVar aggregate classification (germline): Uncertain significance (1 of 4 stars; one submission).

gnomAD v4.1: 130 of 1,610,724 alleles (0.0081%); highest among the groups gnomAD compares: Middle Eastern, 0.017%; 1 homozygote.

Submission:

Labcorp Genetics (formerly Invitae), Labcorp
Classification: Uncertain significance. Last evaluated: 2025-12-17. Review status: criteria provided, single submitter. Criteria: Invitae Variant Classification Sherloc (09022015). Collection method: clinical testing. Allele origin: germline.
Comment: This sequence change replaces isoleucine, which is neutral and non-polar, with threonine, which is neutral and polar, at codon 301 of the PAX5 protein (p.Ile301Thr). This variant is present in population databases (rs372989600, gnomAD 0.005%). This variant has not been reported in the literature in individuals affected with PAX5-related conditions. Invitae Evidence Modeling of protein sequence and biophysical properties (such as structural, functional, and spatial information, amino acid conservation, physicochemical variation, residue mobility, and thermodynamic stability) indicates that this missense variant is not expected to disrupt PAX5 protein function with a negative predictive value of 80%. In summary, the available evidence is currently insufficient to determine the role of this variant in disease. Therefore, it has been classified as a Variant of Uncertain Significance.

NM_016734.3(PAX5):c.902T>C (p.Ile301Thr)

Gene: PAX5 (paired box 5; minus strand). Cytogenetic location: 9p13.2.
Variant type: single nucleotide variant.
Coding change: c.902T>C on transcript NM_016734.3 (MANE Select); coding-DNA position 902, T replaced by C.
Protein change: p.Ile301Thr; replaces isoleucine 301 with threonine.
Molecular consequence: missense variant. On other transcripts: intron variant (2).
Genome position (GRCh38, 1-based): chr9:36,923,363, A>G on the plus strand (T>C on the coding strand, the complement: PAX5 is on the minus strand). VCF-style: chr9-36923363-A-G. GRCh37 (hg19) VCF-style: chr9-36923360-A-G.
Other names: c.902T>C, p.Ile301Thr (NM_001280547.2, NM_001280548.2, NM_001280552.2); c.578T>C, p.Ile193Thr (NM_001280551.2, NM_001280556.2); c.773T>C, p.Ile258Thr (NM_001280553.2, NM_001280554.2); c.704T>C, p.Ile235Thr (NM_001280555.2); c.780+43186T>C (NM_001280550.2, NM_001280549.2); short protein forms I193T, I235T, I258T, I301T.
Identifiers: ClinVar variation 4809923 (VCV004809923.1).
Genomic context (GRCh38, chr9:36,923,363, plus strand): 5'-CCTATCTCTCTCTCTCTCCCTCACTCATCCCCCATGCCCCAGGTGCCCTCACCTGTCACA[A>G]TGGGGTAGGACTGCGGGCCTGGCACACTGCTCCCGATGTCAGCAGGGGTGGGGCTGGCCA-3'
Protein context (NP_057953.1, residues 291-311): SSVPGPQSYP[Ile301Thr]VTGRDLASTT